The following is an entry in ClinVar:

ClinVar aggregate classification (germline): Uncertain significance (1 of 4 stars; one submission).

gnomAD v4.1: 2 of 1,613,950 alleles (0.00012%); no homozygotes.

Submission:

GeneDx
Classification: Uncertain significance. Last evaluated: 2021-06-19. Review status: criteria provided, single submitter. Criteria: GeneDx Variant Classification Process June 2021. Collection method: clinical testing. Allele origin: germline. Affected: yes.
Comment: Not observed at significant frequency in large population cohorts (Lek et al., 2016); In silico analysis supports that this missense variant has a deleterious effect on protein structure/function; Has not been previously published as pathogenic or benign to our knowledge; This variant is associated with the following publications: (PMID: 27535533)

NM_006922.4(SCN3A):c.4742G>A (p.Arg1581Lys)

Gene: SCN3A (sodium voltage-gated channel alpha subunit 3; minus strand). Cytogenetic location: 2q24.3.
Variant type: single nucleotide variant.
Coding change: c.4742G>A on transcript NM_006922.4 (MANE Select); coding-DNA position 4742, G replaced by A.
Protein change: p.Arg1581Lys; replaces arginine 1581 with lysine.
Molecular consequence: missense variant.
Genome position (GRCh38, 1-based): chr2:165,092,319, C>T on the plus strand (G>A on the coding strand, the complement: SCN3A is on the minus strand). VCF-style: chr2-165092319-C-T. GRCh37 (hg19) VCF-style: chr2-165948829-C-T.
Other names: c.4595G>A, p.Arg1532Lys (NM_001081676.2, NM_001081677.2); short protein forms R1532K, R1581K.
Identifiers: ClinVar variation 1328577 (VCV001328577.2), dbSNP rs2105626390, ClinGen allele CA349018941.